The following is an entry in ClinVar:

NM_201384.3(PLEC):c.11758G>A (p.Glu3920Lys)

Gene: PLEC (plectin; minus strand). Cytogenetic location: 8q24.3.
Variant type: single nucleotide variant.
Coding change: c.11758G>A on transcript NM_201384.3 (MANE Select); coding-DNA position 11758, G replaced by A.
Protein change: p.Glu3920Lys; replaces glutamic acid 3920 with lysine.
Molecular consequence: missense variant.
Genome position (GRCh38, 1-based): chr8:143,918,063, C>T on the plus strand (G>A on the coding strand, the complement: PLEC is on the minus strand). VCF-style: chr8-143918063-C-T. GRCh37 (hg19) VCF-style: chr8-144992231-C-T.
Other names: c.11839G>A, p.Glu3947Lys (NM_000445.5); c.8458G>A, p.Glu2820Lys (NM_001410941.1); c.11716G>A, p.Glu3906Lys (NM_201378.4); c.11692G>A, p.Glu3898Lys (NM_201379.3); c.12169G>A, p.Glu4057Lys (NM_201380.4); c.11662G>A, p.Glu3888Lys (NM_201381.3); c.11758G>A, p.Glu3920Lys (NM_201382.4); c.11770G>A, p.Glu3924Lys (NM_201383.3); short protein forms E3888K, E3920K, E3924K, E3898K, E3906K, E3947K, E2820K, E4057K.
Identifiers: ClinVar variation 2949123 (VCV002949123.3), dbSNP rs914989960, ClinGen allele CA372488610.
Genomic context (GRCh38, chr8:143,918,063, plus strand): 5'-CGAAGACACCAGCGATGCAGCTGGTGCCTTCCAGGAACTTCTGCAAGTTCTTGGTGACCT[C>T]CTCGATGGAGGTCAGGCCCTCCCGCAGCTGCAGCGCCGTGGCCTCGTCCATGACCTGCGA-3'
Protein context (NP_958786.1, residues 3910-3930): QLREGLTSIE[Glu3920Lys]VTKNLQKFLE

ClinVar aggregate classification (germline): Uncertain significance (1 of 4 stars; one submission).

Conditions:
Epidermolysis bullosa simplex with nail dystrophy (EBS5D). Identifiers: MedGen C4225309, MONDO:0014661, OMIM 616487.
Epidermolysis bullosa simplex, Ogna type (EBS5A). Also called: Pidermolysis bullosa simplex 5A, Ogna type; EPIDERMOLYSIS BULLOSA SIMPLEX 5A, OGNA TYPE. Identifiers: Orphanet 79401, MedGen C0432317, MONDO:0007555, OMIM 131950.
Autosomal recessive limb-girdle muscular dystrophy type 2Q (LGMDR17). Also called: MUSCULAR DYSTROPHY, LIMB-GIRDLE, AUTOSOMAL RECESSIVE 17. Identifiers: Orphanet 254361, MedGen C3150989, MONDO:0013390, OMIM 613723.
Epidermolysis bullosa simplex 5B, with muscular dystrophy (EBS5B). Also called: EPIDERMOLYSIS BULLOSA SIMPLEX AND LIMB-GIRDLE MUSCULAR DYSTROPHY; Epidermolysis bullosa simplex with muscular dystrophy. Identifiers: Orphanet 257, MedGen C2931072, MONDO:0009181, OMIM 226670.
Epidermolysis bullosa simplex 5C, with pyloric atresia (EBS5C). Also called: PLEC-Related Epidermolysis Bullosa with Pyloric Atresia; Epidermolysis bullosa simplex with pyloric atresia; PLEC1-Related Epidermolysis Bullosa with Pyloric Atresia. Identifiers: Orphanet 158684, MedGen C2677349, MONDO:0012807, OMIM 612138.

gnomAD v4.1: 2 of 1,602,482 alleles (0.00012%); highest among the groups gnomAD compares: Admixed American, 0.0017%; no homozygotes.

Submission:

Labcorp Genetics (formerly Invitae), Labcorp
Classification: Uncertain significance for Autosomal recessive limb-girdle muscular dystrophy type 2Q; Epidermolysis bullosa simplex, Ogna type; Epidermolysis bullosa simplex with nail dystrophy; Epidermolysis bullosa simplex 5C, with pyloric atresia; Epidermolysis bullosa simplex 5B, with muscular dystrophy. Last evaluated: 2023-09-19. Review status: criteria provided, single submitter. Criteria: Invitae Variant Classification Sherloc (09022015). Collection method: clinical testing. Allele origin: germline.
Comment: This sequence change replaces glutamic acid, which is acidic and polar, with lysine, which is basic and polar, at codon 3947 of the PLEC protein (p.Glu3947Lys). This variant is present in population databases (no rsID available, gnomAD 0.003%). This variant has not been reported in the literature in individuals affected with PLEC-related conditions. Advanced modeling of protein sequence and biophysical properties (such as structural, functional, and spatial information, amino acid conservation, physicochemical variation, residue mobility, and thermodynamic stability) performed at Invitae indicates that this missense variant is expected to disrupt PLEC protein function. In summary, the available evidence is currently insufficient to determine the role of this variant in disease. Therefore, it has been classified as a Variant of Uncertain Significance.